The following is an entry in ClinVar:

NM_006268.5(DPF2):c.617A>T (p.Asp206Val)

Gene: DPF2 (double PHD fingers 2; plus strand). Cytogenetic location: 11q13.1.
Variant type: single nucleotide variant.
Coding change: c.617A>T on transcript NM_006268.5 (MANE Select); coding-DNA position 617, A replaced by T.
Protein change: p.Asp206Val; replaces aspartic acid 206 with valine.
Molecular consequence: missense variant.
Genome position (GRCh38, 1-based): chr11:65,344,049, A>T. VCF-style: chr11-65344049-A-T. GRCh37 (hg19) VCF-style: chr11-65111520-A-T.
Other names: c.617A>T, p.Asp206Val (NM_001330308.2); short protein forms D206V.
Identifiers: ClinVar variation 3696111 (VCV003696111.2).

ClinVar aggregate classification (germline): Uncertain significance (1 of 4 stars; one submission).

Submission:

Labcorp Genetics (formerly Invitae), Labcorp
Classification: Uncertain significance. Last evaluated: 2024-09-27. Review status: criteria provided, single submitter. Criteria: Invitae Variant Classification Sherloc (09022015). Collection method: clinical testing. Allele origin: germline.
Comment: This sequence change replaces aspartic acid, which is acidic and polar, with valine, which is neutral and non-polar, at codon 206 of the DPF2 protein (p.Asp206Val). This variant is not present in population databases (gnomAD no frequency). This variant has not been reported in the literature in individuals affected with DPF2-related conditions. An algorithm developed to predict the effect of missense changes on protein structure and function (PolyPhen-2) suggests that this variant is likely to be disruptive. In summary, the available evidence is currently insufficient to determine the role of this variant in disease. Therefore, it has been classified as a Variant of Uncertain Significance.